The following is an entry in ClinVar:

ClinVar aggregate classification (germline): Uncertain significance (1 of 4 stars; one submission).

Conditions:
Rubinstein-Taybi syndrome (RSTS). Identifiers: Orphanet 783, MedGen C0035934, MONDO:0019188.

Submission:

Labcorp Genetics (formerly Invitae), Labcorp
Classification: Uncertain significance for Rubinstein-Taybi syndrome. Last evaluated: 2025-04-27. Review status: criteria provided, single submitter. Criteria: Invitae Variant Classification Sherloc (09022015). Collection method: clinical testing. Allele origin: germline.
Comment: This sequence change replaces asparagine, which is neutral and polar, with serine, which is neutral and polar, at codon 1131 of the CREBBP protein (p.Asn1131Ser). This variant is not present in population databases (gnomAD no frequency). This variant has not been reported in the literature in individuals affected with CREBBP-related conditions. Invitae Evidence Modeling of protein sequence and biophysical properties (such as structural, functional, and spatial information, amino acid conservation, physicochemical variation, residue mobility, and thermodynamic stability) indicates that this missense variant is not expected to disrupt CREBBP protein function with a negative predictive value of 95%. In summary, the available evidence is currently insufficient to determine the role of this variant in disease. Therefore, it has been classified as a Variant of Uncertain Significance.

NM_004380.3(CREBBP):c.3392A>G (p.Asn1131Ser)

Gene: CREBBP (CREB binding lysine acetyltransferase; minus strand). Cytogenetic location: 16p13.3.
Variant type: single nucleotide variant.
Coding change: c.3392A>G on transcript NM_004380.3 (MANE Select); coding-DNA position 3392, A replaced by G.
Protein change: p.Asn1131Ser; replaces asparagine 1131 with serine.
Molecular consequence: missense variant.
Genome position (GRCh38, 1-based): chr16:3,758,026, T>C on the plus strand (A>G on the coding strand, the complement: CREBBP is on the minus strand). VCF-style: chr16-3758026-T-C. GRCh37 (hg19) VCF-style: chr16-3808027-T-C.
Other names: c.3278A>G, p.Asn1093Ser (NM_001079846.1); short protein forms N1093S, N1131S.
Identifiers: ClinVar variation 4802896 (VCV004802896.1).